The following is an entry in ClinVar:

ClinVar aggregate classification (germline): Uncertain significance (1 of 4 stars; one submission).

gnomAD v4.1: 103 of 1,613,738 alleles (0.0064%); highest among the groups gnomAD compares: East Asian, 0.011%; no homozygotes.

Submission:

Labcorp Genetics (formerly Invitae), Labcorp
Classification: Uncertain significance. Last evaluated: 2025-05-12. Review status: criteria provided, single submitter. Criteria: Invitae Variant Classification Sherloc (09022015). Collection method: clinical testing. Allele origin: germline.
Comment: This sequence change replaces arginine, which is basic and polar, with cysteine, which is neutral and slightly polar, at codon 933 of the ZHX3 protein (p.Arg933Cys). This variant is present in population databases (rs148495510, gnomAD 0.03%). This variant has not been reported in the literature in individuals affected with ZHX3-related conditions. An algorithm developed to predict the effect of missense changes on protein structure and function (PolyPhen-2) suggests that this variant is likely to be tolerated. In summary, the available evidence is currently insufficient to determine the role of this variant in disease. Therefore, it has been classified as a Variant of Uncertain Significance.

NM_001384317.1(ZHX3):c.2797C>T (p.Arg933Cys)

Gene: ZHX3 (zinc fingers and homeoboxes 3; minus strand). Cytogenetic location: 20q12.
Variant type: single nucleotide variant.
Coding change: c.2797C>T on transcript NM_001384317.1 (MANE Select); coding-DNA position 2797, C replaced by T.
Protein change: p.Arg933Cys; replaces arginine 933 with cysteine.
Molecular consequence: missense variant. On other transcripts: intron variant (1).
Genome position (GRCh38, 1-based): chr20:41,202,120, G>A on the plus strand (C>T on the coding strand, the complement: ZHX3 is on the minus strand). VCF-style: chr20-41202120-G-A. GRCh37 (hg19) VCF-style: chr20-39830760-G-A.
Other names: c.2797C>T, p.Arg933Cys (NM_001384315.1, NM_001384316.1, NM_001384318.1 and 7 more transcripts); c.2634+163C>T (NM_001384324.1); short protein forms R933C.
Identifiers: ClinVar variation 4693643 (VCV004693643.1).